The following is an entry in ClinVar:

ClinVar aggregate classification (germline): Likely benign (1 of 4 stars; one submission).

Submission:

CeGaT Center for Human Genetics Tuebingen
Classification: Likely benign. Last evaluated: 2026-04-01. Review status: criteria provided, single submitter. Criteria: CeGaT Center For Human Genetics Tuebingen Variant Classification Criteria Version 2. Collection method: clinical testing. Allele origin: germline. Affected: yes. Observed: 1 variant allele.
Comment: PDE10A: PM2:Supporting, BP4, BP7

NM_001385079.1(PDE10A):c.702C>G (p.Pro234=)

Gene: PDE10A (phosphodiesterase 10A; minus strand). Cytogenetic location: 6q27.
Variant type: single nucleotide variant.
Coding change: c.702C>G on transcript NM_001385079.1 (MANE Select); coding-DNA position 702, C replaced by G.
Protein change: p.Pro234=; no amino-acid change (proline 234 retained).
Molecular consequence: synonymous variant. On other transcripts: 5 prime UTR variant (2).
Genome position (GRCh38, 1-based): chr6:165,662,110, G>C on the plus strand (C>G on the coding strand, the complement: PDE10A is on the minus strand). VCF-style: chr6-165662110-G-C. GRCh37 (hg19) VCF-style: chr6-166075598-G-C.
Other names: c.-97C>G (NM_001130690.3); c.-255C>G (NM_006661.4).
Identifiers: ClinVar variation 4874567 (VCV004874567.2).